The following is an entry in ClinVar:

NM_001005242.3(PKP2):c.1535A>G (p.Tyr512Cys)

Gene: PKP2 (plakophilin 2; minus strand). Cytogenetic location: 12p11.21.
Variant type: single nucleotide variant.
Coding change: c.1535A>G on transcript NM_001005242.3 (MANE Select); coding-DNA position 1535, A replaced by G.
Protein change: p.Tyr512Cys; replaces tyrosine 512 with cysteine.
Molecular consequence: missense variant.
Genome position (GRCh38, 1-based): chr12:32,841,049, T>C on the plus strand (A>G on the coding strand, the complement: PKP2 is on the minus strand). VCF-style: chr12-32841049-T-C. GRCh37 (hg19) VCF-style: chr12-32993983-T-C.
Other names: c.1535A>G, p.Tyr512Cys (NM_001407155.1, NM_001407156.1, NM_001407161.1); c.1667A>G, p.Tyr556Cys (NM_001407157.1, NM_004572.4); c.1208A>G, p.Tyr403Cys (NM_001407158.1, NM_001407159.1, NM_001407160.1 and 1 more transcripts); short protein forms Y512C, Y403C, Y556C.
Identifiers: ClinVar variation 3933321 (VCV003933321.2).

ClinVar aggregate classification (germline): Uncertain significance. Review status: criteria provided, multiple submitters, no conflicts (2 of 4 stars). 2 submissions from 2 submitters: Uncertain significance (2). Last evaluated 2025-12-10.

Conditions:
Cardiovascular phenotype. Identifiers: MedGen CN230736.
Arrhythmogenic right ventricular dysplasia 9 (ARVD9). Also called: Arrhythmogenic Right Ventricular Dysplasia/Cardiomyopathy 9; ARRHYTHMOGENIC RIGHT VENTRICULAR DYSPLASIA, FAMILIAL, 9. Identifiers: MedGen C1836906, MONDO:0012180, OMIM 609040.

gnomAD v4.1: 9 of 1,613,644 alleles (0.00056%); highest among the groups gnomAD compares: Non-Finnish European, 0.00068%; no homozygotes.

Submissions (2):

Labcorp Genetics (formerly Invitae), Labcorp
Classification: Uncertain significance for Arrhythmogenic right ventricular dysplasia 9. Last evaluated: 2025-12-10. Review status: criteria provided, single submitter. Criteria: Invitae Variant Classification Sherloc (09022015). Collection method: clinical testing. Allele origin: germline.
Comment: This sequence change replaces tyrosine, which is neutral and polar, with cysteine, which is neutral and slightly polar, at codon 556 of the PKP2 protein (p.Tyr556Cys). This variant is not present in population databases (gnomAD no frequency). This variant has not been reported in the literature in individuals affected with PKP2-related conditions. ClinVar contains an entry for this variant (Variation ID: 3933321). An algorithm developed to predict the effect of missense changes on protein structure and function (PolyPhen-2) suggests that this variant is likely to be tolerated. In summary, the available evidence is currently insufficient to determine the role of this variant in disease. Therefore, it has been classified as a Variant of Uncertain Significance.

Ambry Genetics
Classification: Uncertain significance for Cardiovascular phenotype. Last evaluated: 2025-06-07. Review status: criteria provided, single submitter. Criteria: Ambry Variant Classification Scheme 2023. Collection method: clinical testing. Allele origin: germline.
Comment: The p.Y556C variant (also known as c.1667A>G), located in coding exon 7 of the PKP2 gene, results from an A to G substitution at nucleotide position 1667. The tyrosine at codon 556 is replaced by cysteine, an amino acid with highly dissimilar properties. This amino acid position is conserved. In addition, this alteration is predicted to be deleterious by in silico analysis. Based on the available evidence, the clinical significance of this variant remains unclear.